The following is an entry in ClinVar:

ClinVar aggregate classification (germline): Uncertain significance. Review status: criteria provided, single submitter (1 of 4 stars). 2 submissions from 2 submitters: Uncertain significance (1). 1 of the submissions does not count toward it. Last evaluated 2024-05-12.

Conditions:
Anauxetic dysplasia. Identifiers: Orphanet 93347, MedGen C1846796, MONDO:0011773.
Metaphyseal chondrodysplasia, McKusick type (CHH). Also called: Cartilage-hair hypoplasia; Cartilage-Hair Hypoplasia (CHH). Identifiers: Orphanet 175, MedGen C0220748, MONDO:0009595, OMIM 250250.

Allele frequency attached by ClinVar (database versions not stated): TOPMed 0.00004.
gnomAD v4.1: 17 of 696,848 alleles (0.0024%); highest among the groups gnomAD compares: African/African-American, 0.01%; no homozygotes.

Submissions (2):

Labcorp Genetics (formerly Invitae), Labcorp
Classification: Uncertain significance for Anauxetic dysplasia. Last evaluated: 2024-05-12. Review status: criteria provided, single submitter. Criteria: Invitae Variant Classification Sherloc (09022015). Collection method: clinical testing. Allele origin: germline.
Comment: This variant occurs in the RMRP gene, which encodes an RNA molecule that does not result in a protein product. This variant is present in population databases (no rsID available, gnomAD 0.004%). This variant has not been reported in the literature in individuals affected with RMRP-related conditions. ClinVar contains an entry for this variant (Variation ID: 998955). Experimental studies and prediction algorithms are not available or were not evaluated, and the functional significance of this variant is currently unknown. In summary, the available evidence is currently insufficient to determine the role of this variant in disease. Therefore, it has been classified as a Variant of Uncertain Significance.

Natera, Inc.
Classification: Uncertain significance for Cartilage-hair hypoplasia. Last evaluated: 2020-06-24. Review status: no assertion criteria provided. Collection method: clinical testing. Allele origin: germline. Not counted in ClinVar's aggregate classification.

NR_003051.4(RMRP):n.243C>T

Gene: RMRP (RNA component of mitochondrial RNA processing endoribonuclease; minus strand). Cytogenetic location: 9p13.3.
Variant type: single nucleotide variant.
Genome position: GRCh38 VCF-style: chr9-35657777-G-A. GRCh37 (hg19) VCF-style: chr9-35657774-G-A.
Identifiers: ClinVar variation 998955 (VCV000998955.4), dbSNP rs912498335, ClinGen allele CA192745542.